The following is an entry in ClinVar:

NM_025184.4(EFHC2):c.417G>A (p.Pro139=)

Gene: EFHC2 (EF-hand domain containing 2; minus strand). Cytogenetic location: Xp11.3.
Variant type: single nucleotide variant.
Coding change: c.417G>A on transcript NM_025184.4 (MANE Select); coding-DNA position 417, G replaced by A.
Protein change: p.Pro139=; no amino-acid change (proline 139 retained).
Molecular consequence: synonymous variant.
Genome position (GRCh38, 1-based): chrX:44,261,264, C>T on the plus strand (G>A on the coding strand, the complement: EFHC2 is on the minus strand). VCF-style: chrX-44261264-C-T. GRCh37 (hg19) VCF-style: chrX-44120510-C-T.
Identifiers: ClinVar variation 2660366 (VCV002660366.24), dbSNP rs374262479, ClinGen allele CA10391776.

ClinVar aggregate classification (germline): Likely benign (1 of 4 stars; one submission).

Allele frequency attached by ClinVar (database versions not stated): TOPMed 0.00015; gnomAD 0.00025; ESP Exome Variant Server 0.00031; ExAC 0.00041.
gnomAD v4.1: 519 of 1,195,544 alleles (0.043%); highest among the groups gnomAD compares: Non-Finnish European, 0.045%; no homozygotes.

Submission:

CeGaT Center for Human Genetics Tuebingen
Classification: Likely benign. Last evaluated: 2022-04-01. Review status: criteria provided, single submitter. Criteria: CeGaT Center For Human Genetics Tuebingen Variant Classification Criteria Version 2. Collection method: clinical testing. Allele origin: germline. Affected: yes. Observed: 1 variant allele.
Comment: EFHC2: BP4, BP7